The following is an entry in ClinVar:

ClinVar aggregate classification (germline): Uncertain significance (1 of 4 stars; one submission).

Submission:

Labcorp Genetics (formerly Invitae), Labcorp
Classification: Uncertain significance. Last evaluated: 2023-07-18. Review status: criteria provided, single submitter. Criteria: Invitae Variant Classification Sherloc (09022015). Collection method: clinical testing. Allele origin: germline.
Comment: In summary, the available evidence is currently insufficient to determine the role of this variant in disease. Therefore, it has been classified as a Variant of Uncertain Significance. An algorithm developed to predict the effect of missense changes on protein structure and function (PolyPhen-2) suggests that this variant is likely to be tolerated. This variant has not been reported in the literature in individuals affected with HMCN1-related conditions. This variant is not present in population databases (gnomAD no frequency). This sequence change replaces proline, which is neutral and non-polar, with alanine, which is neutral and non-polar, at codon 4561 of the HMCN1 protein (p.Pro4561Ala).

NM_031935.3(HMCN1):c.13681C>G (p.Pro4561Ala)

Gene: HMCN1 (hemicentin 1; plus strand). Cytogenetic location: 1q31.1.
Variant type: single nucleotide variant.
Coding change: c.13681C>G on transcript NM_031935.3 (MANE Select); coding-DNA position 13681, C replaced by G.
Protein change: p.Pro4561Ala; replaces proline 4561 with alanine.
Molecular consequence: missense variant.
Genome position (GRCh38, 1-based): chr1:186,137,596, C>G. VCF-style: chr1-186137596-C-G. GRCh37 (hg19) VCF-style: chr1-186106728-C-G.
Other names: short protein forms P4561A.
Identifiers: ClinVar variation 2736793 (VCV002736793.3), dbSNP rs2528097009, ClinGen allele CA343911691.